The following is an entry in ClinVar:

NM_023036.6(DNAI2):c.1348-3T>C

Gene: DNAI2 (dynein axonemal intermediate chain 2; plus strand). Cytogenetic location: 17q25.1.
Variant type: single nucleotide variant.
Coding change: c.1348-3T>C on transcript NM_023036.6 (MANE Select); 3 bases into the intron before coding-DNA position 1348, T replaced by C.
Molecular consequence: intron variant.
Genome position (GRCh38, 1-based): chr17:74,310,014, T>C. VCF-style: chr17-74310014-T-C. GRCh37 (hg19) VCF-style: chr17-72306153-T-C.
Other names: c.1348-3T>C (NM_001353167.2); c.1348-39T>C (NM_001172810.3).
Identifiers: ClinVar variation 1770516 (VCV001770516.4), dbSNP rs536410188, ClinGen allele CA8745757.

ClinVar aggregate classification (germline): Uncertain significance. Review status: criteria provided, multiple submitters, no conflicts (2 of 4 stars). 2 submissions from 2 submitters: Uncertain significance (2). Last evaluated 2022-05-09.

Conditions:
Primary ciliary dyskinesia. Also called: Ciliary dyskinesia. Identifiers: Orphanet 244, MedGen C0008780, MONDO:0016575, HP:0012265.

Allele frequency attached by ClinVar (database versions not stated): ExAC 0.00002; gnomAD 0.00003; TOPMed 0.00003; 1000 Genomes Project 0.00020; 1000 Genomes Project 30x 0.00031.
gnomAD v4.1: 22 of 1,613,808 alleles (0.0014%); highest among the groups gnomAD compares: Non-Finnish European, 0.0017%; no homozygotes.

Submissions (2):

Labcorp Genetics (formerly Invitae), Labcorp
Classification: Uncertain significance for Primary ciliary dyskinesia. Last evaluated: 2022-05-09. Review status: criteria provided, single submitter. Criteria: Invitae Variant Classification Sherloc (09022015). Collection method: clinical testing. Allele origin: germline.
Comment: This sequence change falls in intron 10 of the DNAI2 gene. It does not directly change the encoded amino acid sequence of the DNAI2 protein. It affects a nucleotide within the consensus splice site. This variant is present in population databases (rs536410188, gnomAD 0.006%). This variant has not been reported in the literature in individuals affected with DNAI2-related conditions. Variants that disrupt the consensus splice site are a relatively common cause of aberrant splicing (PMID: 17576681, 9536098). Algorithms developed to predict the effect of sequence changes on RNA splicing suggest that this variant is not likely to affect RNA splicing. In summary, the available evidence is currently insufficient to determine the role of this variant in disease. Therefore, it has been classified as a Variant of Uncertain Significance.

Ambry Genetics
Classification: Uncertain significance for Primary ciliary dyskinesia. Last evaluated: 2020-12-08. Review status: criteria provided, single submitter. Criteria: Ambry Variant Classification Scheme 2023. Collection method: clinical testing. Allele origin: germline.
Comment: The c.1348-3T>C intronic variant results from a T to C substitution 3 nucleotides upstream from coding exon 10 in the DNAI2 gene. This nucleotide position is not well conserved in available vertebrate species. In silico splice site analysis predicts that this alteration will not have any significant effect on splicing. Since supporting evidence is limited at this time, the clinical significance of this alteration remains unclear.

Literature cited by the submitters: PubMed 17576681 (cited by Labcorp Genetics (formerly Invitae), Labcorp); PubMed 9536098 (cited by Labcorp Genetics (formerly Invitae), Labcorp).